The following is an entry in ClinVar:

ClinVar aggregate classification (germline): Likely benign. Review status: criteria provided, multiple submitters, no conflicts (2 of 4 stars). 2 submissions from 2 submitters: Likely benign (2). Last evaluated 2024-11-27.

Conditions:
TSPEAR-related disorder. Also called: TSPEAR-related condition.

Allele frequency attached by ClinVar (database versions not stated): gnomAD 0.00011; TOPMed 0.00011; gnomAD exomes 0.00020; ExAC 0.00042.
gnomAD v4.1: 134 of 1,586,262 alleles (0.0084%); highest among the groups gnomAD compares: African/African-American, 0.011%; no homozygotes.

Submissions (2):

PreventionGenetics, part of Exact Sciences
Classification: Likely benign for TSPEAR-related condition. Last evaluated: 2024-11-27. Review status: criteria provided, single submitter. Criteria: ACMG Guidelines, 2015. Collection method: clinical testing. Allele origin: germline.
Comment: This variant is classified as likely benign based on ACMG/AMP sequence variant interpretation guidelines (Richards et al. 2015 PMID: 25741868, with internal and published modifications).

Labcorp Genetics (formerly Invitae), Labcorp
Classification: Likely benign. Last evaluated: 2023-01-09. Review status: criteria provided, single submitter. Criteria: Invitae Variant Classification Sherloc (09022015). Collection method: clinical testing. Allele origin: germline.

NM_144991.3(TSPEAR):c.1966G>A (p.Ala656Thr)

Gene: TSPEAR (thrombospondin type laminin G domain and EAR repeats; minus strand). Cytogenetic location: 21q22.3.
Variant type: single nucleotide variant.
Coding change: c.1966G>A on transcript NM_144991.3 (MANE Select); coding-DNA position 1966, G replaced by A.
Protein change: p.Ala656Thr; replaces alanine 656 with threonine.
Molecular consequence: missense variant.
Genome position (GRCh38, 1-based): chr21:44,499,827, C>T on the plus strand (G>A on the coding strand, the complement: TSPEAR is on the minus strand). VCF-style: chr21-44499827-C-T. GRCh37 (hg19) VCF-style: chr21-45919710-C-T.
Other names: c.1762G>A, p.Ala588Thr (NM_001272037.2); c.1966G>A (NM_144991.2); short protein forms A588T, A656T.
Identifiers: ClinVar variation 1595696 (VCV001595696.9), dbSNP rs782728193, ClinGen allele CA10056240.